The following is an entry in ClinVar:

ClinVar aggregate classification (germline): Uncertain significance (1 of 4 stars; one submission).

Submission:

Women's Health and Genetics/Laboratory Corporation of America, LabCorp
Classification: Uncertain significance. Last evaluated: 2025-10-21. Review status: criteria provided, single submitter. Criteria: LabCorp Variant Classification Summary - May 2015. Collection method: clinical testing. Allele origin: germline.
Comment: Variant summary: The variant involves the duplication of exons 1-5 in the TMEM126B gene. This duplication includes the entire coding sequence of the gene. As exact breakpoints are unknown, it may extend beyond the annotated region of the gene, to include other flanking genes. A presumed nomenclature of c.(?_-16)_(*308_?)dup has been designated for the purposes of this classification. The variant allele was found at a frequency of 4.5e-06 in 441901 control chromosomes. The available data on variant occurrences in the general population are insufficient to allow any conclusion about variant significance. To our knowledge, no occurrence of c.(?_-16)_(*308_?)dup in individuals affected with TMEM126B-related conditions and no experimental evidence demonstrating its impact on protein function have been reported. ClinVar contains an entry for this variant (Variation ID: 2427028). Based on the evidence outlined above, the variant was classified as uncertain significance.

NC_000011.9:g.(?_85339636)_(85347581_?)dup

Gene: TMEM126B (transmembrane protein 126B; plus strand). Cytogenetic location: 11q14.1.
Variant type: Duplication.
Identifiers: ClinVar variation 3063999 (VCV003063999.2).